The following is an entry in ClinVar:

ClinVar aggregate classification (germline): Likely benign. Review status: criteria provided, multiple submitters, no conflicts (2 of 4 stars). 2 submissions from 2 submitters: Likely benign (2). Last evaluated 2025-07-01.

Conditions:
COL4A4-related disorder.

Allele frequency attached by ClinVar (database versions not stated): ExAC 0.00001; gnomAD 0.00001; TOPMed 0.00003.
gnomAD v4.1: 3 of 1,613,916 alleles (0.00019%); highest among the groups gnomAD compares: African/African-American, 0.0027%; no homozygotes.

Submissions (2):

PreventionGenetics, part of Exact Sciences
Classification: Likely benign for COL4A4-related condition. Last evaluated: 2025-07-01. Review status: criteria provided, single submitter. Criteria: ACMG Guidelines, 2015. Collection method: clinical testing. Allele origin: germline.
Comment: This variant is classified as likely benign based on ACMG/AMP sequence variant interpretation guidelines (Richards et al. 2015 PMID: 25741868, with internal and published modifications).

Labcorp Genetics (formerly Invitae), Labcorp
Classification: Likely benign. Last evaluated: 2024-03-04. Review status: criteria provided, single submitter. Criteria: Invitae Variant Classification Sherloc (09022015). Collection method: clinical testing. Allele origin: germline.

NM_000092.5(COL4A4):c.165C>T (p.Cys55=)

Gene: COL4A4 (collagen type IV alpha 4 chain; minus strand). Cytogenetic location: 2q36.3.
Variant type: single nucleotide variant.
Coding change: c.165C>T on transcript NM_000092.5 (MANE Select); coding-DNA position 165, C replaced by T.
Protein change: p.Cys55=; no amino-acid change (cysteine 55 retained).
Molecular consequence: synonymous variant.
Genome position (GRCh38, 1-based): chr2:227,140,188, G>A on the plus strand (C>T on the coding strand, the complement: COL4A4 is on the minus strand). VCF-style: chr2-227140188-G-A. GRCh37 (hg19) VCF-style: chr2-228004904-G-A.
Identifiers: ClinVar variation 2967344 (VCV002967344.4), dbSNP rs768245333, ClinGen allele CA2145772.